The following is an entry in ClinVar:

NM_002894.3(RBBP8):c.604+162G>A

Gene: RBBP8 (RB binding protein 8, endonuclease; plus strand). Cytogenetic location: 18q11.2.
Variant type: single nucleotide variant.
Coding change: c.604+162G>A on transcript NM_002894.3 (MANE Select); 162 bases into the intron after coding-DNA position 604, G replaced by A.
Molecular consequence: intron variant.
Genome position (GRCh38, 1-based): chr18:22,982,555, G>A. VCF-style: chr18-22982555-G-A. GRCh37 (hg19) VCF-style: chr18-20562518-G-A.
Other names: c.604+162G>A (NM_203292.2, NM_203291.2).
Identifiers: ClinVar variation 669107 (VCV000669107.1), dbSNP rs7407415, ClinGen allele CA297037921.

ClinVar aggregate classification (germline): Benign (1 of 4 stars; one submission).

Allele frequency attached by ClinVar (database versions not stated): 1000 Genomes Project 30x 0.99781; TOPMed 0.99781; gnomAD 0.99785 and 0.99795; 1000 Genomes Project 0.99820.
gnomAD v4.1: 152,041 of 152,350 alleles (100%); highest among the groups gnomAD compares: Middle Eastern, 100%; 75,868 homozygotes.

Submission:

GeneDx
Classification: Benign. Last evaluated: 2018-06-16. Review status: criteria provided, single submitter. Criteria: GeneDx Variant Classification (06012015). Collection method: clinical testing. Allele origin: germline. Affected: yes.
Comment: This variant is considered likely benign or benign based on one or more of the following criteria: it is a conservative change, it occurs at a poorly conserved position in the protein, it is predicted to be benign by multiple in silico algorithms, and/or has population frequency not consistent with disease.